The following is an entry in ClinVar:

NC_000020.10:g.(?_57594578)_(57599838_?)del

Gene: TUBB1 (tubulin beta 1 class VI; plus strand). Cytogenetic location: 20q13.32.
Variant type: Deletion.
Identifiers: ClinVar variation 2426941 (VCV002426941.4).

ClinVar aggregate classification (germline): Uncertain significance (1 of 4 stars; one submission).

Submission:

Labcorp Genetics (formerly Invitae), Labcorp
Classification: Uncertain significance. Last evaluated: 2022-03-24. Review status: criteria provided, single submitter. Criteria: Invitae Variant Classification Sherloc (09022015). Collection method: clinical testing. Allele origin: germline.
Comment: In summary, the available evidence is currently insufficient to determine the role of this variant in disease. Therefore, it has been classified as a Variant of Uncertain Significance. This variant has not been reported in the literature in individuals affected with TUBB1-related conditions. A gross deletion of the genomic region encompassing the full coding sequence of the TUBB1 gene has been identified. The current clinical and genetic evidence is not sufficient to establish whether loss-of-function variants in TUBB1 cause disease. The boundaries of this event are unknown as they extend beyond the assayed region for this gene and therefore may encompass additional genes.